The following is an entry in ClinVar:

NM_000548.5(TSC2):c.4742T>G (p.Leu1581Arg)

Gene: TSC2 (TSC complex subunit 2; plus strand). Cytogenetic location: 16p13.3.
Variant type: single nucleotide variant.
Coding change: c.4742T>G on transcript NM_000548.5 (MANE Select); coding-DNA position 4742, T replaced by G.
Protein change: p.Leu1581Arg; replaces leucine 1581 with arginine.
Molecular consequence: missense variant.
Genome position (GRCh38, 1-based): chr16:2,086,272, T>G. VCF-style: chr16-2086272-T-G. GRCh37 (hg19) VCF-style: chr16-2136273-T-G.
Other names: c.4541T>G, p.Leu1514Arg (NM_001077183.3); c.4673T>G, p.Leu1558Arg (NM_001114382.3); c.4433T>G, p.Leu1478Arg (NM_001318827.2); c.4397T>G, p.Leu1466Arg (NM_001318829.2); c.4010T>G, p.Leu1337Arg (NM_001318831.2); c.4574T>G, p.Leu1525Arg (NM_001318832.2); c.4544T>G, p.Leu1515Arg (NM_001363528.2); c.4610T>G, p.Leu1537Arg (NM_001370404.1); and 1 more; short protein forms L1337R, L1515R, L1558R, L1478R, L1537R, L1538R, L1466R, L1514R.
Identifiers: ClinVar variation 1485200 (VCV001485200.6), dbSNP rs2151572499, ClinGen allele CA394307665.

ClinVar aggregate classification (germline): Uncertain significance (1 of 4 stars; one submission).

Conditions:
Tuberous sclerosis 2 (TSC2). Identifiers: Orphanet 805, MedGen C1860707, MONDO:0013199, OMIM 613254.

Submission:

Labcorp Genetics (formerly Invitae), Labcorp
Classification: Uncertain significance for Tuberous sclerosis 2. Last evaluated: 2022-07-30. Review status: criteria provided, single submitter. Criteria: Invitae Variant Classification Sherloc (09022015). Collection method: clinical testing. Allele origin: germline.
Comment: ClinVar contains an entry for this variant (Variation ID: 1485200). In summary, the available evidence is currently insufficient to determine the role of this variant in disease. Therefore, it has been classified as a Variant of Uncertain Significance. Algorithms developed to predict the effect of missense changes on protein structure and function are either unavailable or do not agree on the potential impact of this missense change (SIFT: "Deleterious"; PolyPhen-2: "Probably Damaging"; Align-GVGD: "Class C0"). This variant has not been reported in the literature in individuals affected with TSC2-related conditions. This variant is not present in population databases (gnomAD no frequency). This sequence change replaces leucine, which is neutral and non-polar, with arginine, which is basic and polar, at codon 1581 of the TSC2 protein (p.Leu1581Arg).